The following is an entry in ClinVar:

ClinVar aggregate classification (germline): Benign/Likely benign. Review status: criteria provided, multiple submitters, no conflicts (2 of 4 stars). 3 submissions from 3 submitters: Benign (1); Likely benign (2). Last evaluated 2025-12-01.

Allele frequency attached by ClinVar (database versions not stated): 1000 Genomes Project 30x 0.00104; ESP Exome Variant Server 0.00104; 1000 Genomes Project 0.00106; TOPMed 0.00116.
gnomAD v4.1: 260 of 1,209,298 alleles (0.022%); highest among the groups gnomAD compares: African/African-American, 0.42%; no homozygotes.

Submissions (3):

CeGaT Center for Human Genetics Tuebingen
Classification: Likely benign. Last evaluated: 2025-12-01. Review status: criteria provided, single submitter. Criteria: CeGaT Center For Human Genetics Tuebingen Variant Classification Criteria Version 2. Collection method: clinical testing. Allele origin: germline. Affected: yes. Observed: 2 variant alleles.
Comment: AFF2: BP4, BP7, BS2

Labcorp Genetics (formerly Invitae), Labcorp
Classification: Benign. Last evaluated: 2018-08-21. Review status: criteria provided, single submitter. Criteria: Invitae Variant Classification Sherloc (09022015). Collection method: clinical testing. Allele origin: germline.

Eurofins Ntd Llc (ga)
Classification: Likely benign. Last evaluated: 2017-04-25. Review status: criteria provided, single submitter. Criteria: EGL Classification Definitions 2015. Collection method: clinical testing. Allele origin: germline. Observed: 1 variant allele, 1 hemizygote.

NM_002025.4(AFF2):c.2181C>T (p.Thr727=)

Gene: AFF2 (ALF transcription elongation factor 2; plus strand). Cytogenetic location: Xq28.
Variant type: single nucleotide variant.
Coding change: c.2181C>T on transcript NM_002025.4 (MANE Select); coding-DNA position 2181, C replaced by T.
Protein change: p.Thr727=; no amino-acid change (threonine 727 retained).
Molecular consequence: synonymous variant.
Genome position (GRCh38, 1-based): chrX:148,956,226, C>T. VCF-style: chrX-148956226-C-T. GRCh37 (hg19) VCF-style: chrX-148037756-C-T.
Other names: c.2082C>T, p.Thr694= (NM_001169122.2); c.2151C>T, p.Thr717= (NM_001169123.2); c.2076C>T, p.Thr692= (NM_001169124.2); c.2064C>T, p.Thr688= (NM_001169125.2); c.1104C>T, p.Thr368= (NM_001170628.1).
Identifiers: ClinVar variation 501386 (VCV000501386.21), dbSNP rs143927826, ClinGen allele CA10537106.